The following is an entry in ClinVar:

ClinVar aggregate classification (germline): Uncertain significance (1 of 4 stars; one submission).

Allele frequency attached by ClinVar (database versions not stated): gnomAD exomes below 0.00001; ExAC 0.00001; gnomAD 0.00001; TOPMed 0.00001.

Submission:

Labcorp Genetics (formerly Invitae), Labcorp
Classification: Uncertain significance. Last evaluated: 2022-01-15. Review status: criteria provided, single submitter. Criteria: Invitae Variant Classification Sherloc (09022015). Collection method: clinical testing. Allele origin: germline.
Comment: In summary, the available evidence is currently insufficient to determine the role of this variant in disease. Therefore, it has been classified as a Variant of Uncertain Significance. Algorithms developed to predict the effect of missense changes on protein structure and function (SIFT, PolyPhen-2, Align-GVGD) all suggest that this variant is likely to be tolerated. This variant has not been reported in the literature in individuals affected with HARS2-related conditions. This variant is present in population databases (rs748083432, gnomAD 0.02%). This sequence change replaces glutamine, which is neutral and polar, with arginine, which is basic and polar, at codon 396 of the HARS2 protein (p.Gln396Arg).

NM_012208.4(HARS2):c.1187A>G (p.Gln396Arg)

Gene: HARS2 (histidyl-tRNA synthetase 2, mitochondrial; plus strand). Cytogenetic location: 5q31.3.
Variant type: single nucleotide variant.
Coding change: c.1187A>G on transcript NM_012208.4 (MANE Select); coding-DNA position 1187, A replaced by G.
Protein change: p.Gln396Arg; replaces glutamine 396 with arginine.
Molecular consequence: missense variant.
Genome position (GRCh38, 1-based): chr5:140,697,396, A>G. VCF-style: chr5-140697396-A-G. GRCh37 (hg19) VCF-style: chr5-140076981-A-G.
Other names: c.1112A>G, p.Gln371Arg (NM_001278731.2); c.755A>G, p.Gln252Arg (NM_001278732.2); c.1205A>G, p.Gln402Arg (NM_001363535.2); c.977A>G, p.Gln326Arg (NM_001363536.2); short protein forms Q326R, Q252R, Q396R, Q402R, Q371R.
Identifiers: ClinVar variation 1911827 (VCV001911827.5), dbSNP rs748083432, ClinGen allele CA3444632.